The following is an entry in ClinVar:

ClinVar aggregate classification (germline): Uncertain significance. Review status: criteria provided, multiple submitters, no conflicts (2 of 4 stars). 6 submissions from 6 submitters: Uncertain significance (6). Last evaluated 2025-02-01.

Conditions:
Pyruvate kinase deficiency of red cells (CNSHA2). Also called: PK DEFICIENCY; PYRUVATE KINASE DEFICIENCY OF ERYTHROCYTE; Pyruvate kinase deficiency, Amish type. Identifiers: Orphanet 766, MedGen C0340968, MONDO:0009950, OMIM 266200.

Allele frequency attached by ClinVar (database versions not stated): ESP Exome Variant Server 0.00023; TOPMed 0.00025; gnomAD 0.00029 and 0.00030; ExAC 0.00055.

Submissions (6):

CeGaT Center for Human Genetics Tuebingen
Classification: Uncertain significance. Last evaluated: 2025-02-01. Review status: criteria provided, single submitter. Criteria: CeGaT Center For Human Genetics Tuebingen Variant Classification Criteria Version 2. Collection method: clinical testing. Allele origin: germline. Affected: yes. Observed: 1 variant allele.
Comment: PKLR: PM2, PM5

Revvity Omics, Revvity
Classification: Uncertain significance. Last evaluated: 2024-11-08. Review status: criteria provided, single submitter. Criteria: ACMG Guidelines, 2015. Collection method: clinical testing. Allele origin: germline.

Department of Pediatrics, Duzce University
Classification: Uncertain significance for Pyruvate kinase deficiency of red cells. Last evaluated: 2024-02-12. Review status: criteria provided, single submitter. Criteria: ACMG Guidelines, 2015. Collection method: research. Allele origin: germline. Inheritance: Autosomal dominant inheritance. Affected: yes.
Comment: Missense variant p.(Arg518Cys) of uncertain significance in PKLR. Rare in population databases (PM2_supporting); in silico predictions insufficient or conflicting; no adequate functional evidence. Applied ACMG/AMP criteria: PM2_supporting. Classification: Uncertain significance.

ARUP Laboratories, Molecular Genetics and Genomics, ARUP Laboratories
Classification: Uncertain significance. Last evaluated: 2023-06-19. Review status: criteria provided, single submitter. Criteria: ARUP Molecular Germline Variant Investigation Process 2024. Collection method: clinical testing. Allele origin: germline.

Labcorp Genetics (formerly Invitae), Labcorp
Classification: Uncertain significance. Last evaluated: 2022-07-22. Review status: criteria provided, single submitter. Criteria: Invitae Variant Classification Sherloc (09022015). Collection method: clinical testing. Allele origin: germline.
Comment: This variant has not been reported in the literature in individuals affected with PKLR-related conditions. This variant is present in population databases (rs139002629, gnomAD 0.08%), and has an allele count higher than expected for a pathogenic variant. This sequence change replaces arginine, which is basic and polar, with cysteine, which is neutral and slightly polar, at codon 518 of the PKLR protein (p.Arg518Cys). ClinVar contains an entry for this variant (Variation ID: 873615). In summary, the available evidence is currently insufficient to determine the role of this variant in disease. Therefore, it has been classified as a Variant of Uncertain Significance. Algorithms developed to predict the effect of missense changes on protein structure and function are either unavailable or do not agree on the potential impact of this missense change (SIFT: "Deleterious"; PolyPhen-2: "Benign"; Align-GVGD: "Class C15").

Illumina Laboratory Services, Illumina
Classification: Uncertain significance for Pyruvate kinase deficiency of red cells. Last evaluated: 2017-04-28. Review status: criteria provided, single submitter. Criteria: ICSL Variant Classification Criteria 13 December 2019. Collection method: clinical testing. Allele origin: germline.

NM_000298.6(PKLR):c.1552C>T (p.Arg518Cys)

Gene: PKLR (pyruvate kinase L/R; minus strand). Cytogenetic location: 1q22.
Variant type: single nucleotide variant.
Coding change: c.1552C>T on transcript NM_000298.6 (MANE Select); coding-DNA position 1552, C replaced by T.
Protein change: p.Arg518Cys; replaces arginine 518 with cysteine.
Molecular consequence: missense variant.
Genome position (GRCh38, 1-based): chr1:155,291,822, G>A on the plus strand (C>T on the coding strand, the complement: PKLR is on the minus strand). VCF-style: chr1-155291822-G-A. GRCh37 (hg19) VCF-style: chr1-155261613-G-A.
Other names: p.(Arg518Cys); c.1459C>T, p.Arg487Cys (NM_181871.4); short protein forms R518C, R487C.
Identifiers: ClinVar variation 873615 (VCV000873615.22), dbSNP rs139002629, ClinGen allele CA1143970.